The following is an entry in ClinVar:

ClinVar aggregate classification (germline): Benign (1 of 4 stars; one submission).

Conditions:
Leukodystrophy, hypomyelinating, 8, with or without oligodontia and/or hypogonadotropic hypogonadism. Also called: LEUKODYSTROPHY, HYPOMYELINATING, 8, WITH HYPODONTIA AND HYPOGONADOTROPIC HYPOGONADISM; Hypomyelinating leukodystrophy 8 with or without oligodontia and-or hypogonadotropic hypogonadism; Endosteal sclerosis-cerebellar hypoplasia syndrome. Identifiers: Orphanet 85186, Orphanet 88637, MedGen C3280644, MONDO:0013722, OMIM 614381.

Allele frequency attached by ClinVar (database versions not stated): TOPMed 0.00622; 1000 Genomes Project 30x 0.00843; gnomAD 0.00585 and 0.00616; gnomAD exomes 0.00025; 1000 Genomes Project 0.00759.
gnomAD v4.1: 883 of 164,710 alleles (0.54%); highest among the groups gnomAD compares: African/African-American, 2%; 8 homozygotes.

Submission:

Illumina Laboratory Services, Illumina
Classification: Benign for Leukodystrophy, hypomyelinating, 8, with or without oligodontia and/or hypogonadotropic hypogonadism. Last evaluated: 2018-01-13. Review status: criteria provided, single submitter. Criteria: ICSL Variant Classification Criteria 13 December 2019. Collection method: clinical testing. Allele origin: germline.
Comment: This variant was observed in the ICSL laboratory as part of a predisposition screen in an ostensibly healthy population. It had not been previously curated by ICSL or reported in the Human Gene Mutation Database (HGMD: prior to June 1st, 2018), and was therefore a candidate for classification through an automated scoring system. Utilizing variant allele frequency, disease prevalence and penetrance estimates, and inheritance mode, an automated score was calculated to assess if this variant is too frequent to cause the disease. Based on the score and internal cut-off values, a variant classified as benign is not then subjected to further curation. The score for this variant resulted in a classification of benign for this disease.

NM_018082.6(POLR3B):c.*582C>G

Genes: POLR3B (RNA polymerase III subunit B; plus strand), RFX4-AS1 (RFX4 antisense RNA 1; minus strand). Cytogenetic location: 12q23.3.
Variant type: single nucleotide variant.
Coding change: c.*582C>G on transcript NM_018082.6 (MANE Select); 582 bases downstream of the stop codon, C replaced by G.
Molecular consequence: 3 prime UTR variant.
Genome position (GRCh38, 1-based): chr12:106,510,131, C>G. VCF-style: chr12-106510131-C-G. GRCh37 (hg19) VCF-style: chr12-106903909-C-G.
Other names: c.*582C>G (NM_001160708.2).
Identifiers: ClinVar variation 306960 (VCV000306960.5), dbSNP rs75217257, ClinGen allele CA10636305.